The following is an entry in ClinVar:

NM_014956.5(CEP164):c.3239C>G (p.Ser1080Cys)

Gene: CEP164 (centrosomal protein 164; plus strand). Cytogenetic location: 11q23.3.
Variant type: single nucleotide variant.
Coding change: c.3239C>G on transcript NM_014956.5 (MANE Select); coding-DNA position 3239, C replaced by G.
Protein change: p.Ser1080Cys; replaces serine 1080 with cysteine.
Molecular consequence: missense variant.
Genome position (GRCh38, 1-based): chr11:117,396,572, C>G. VCF-style: chr11-117396572-C-G. GRCh37 (hg19) VCF-style: chr11-117267288-C-G.
Other names: c.3248C>G, p.Ser1083Cys (NM_001271933.2); short protein forms S1080C, S1083C.
Identifiers: ClinVar variation 2428133 (VCV002428133.6), dbSNP rs560342451, ClinGen allele CA6295382.

ClinVar aggregate classification (germline): Uncertain significance (1 of 4 stars; one submission).

Conditions:
Nephronophthisis 15 (NPHP15). Identifiers: Orphanet 3156, MedGen C3541853, MONDO:0013917, OMIM 614845.

Allele frequency attached by ClinVar (database versions not stated): TOPMed below 0.00001.
gnomAD v4.1: 4 of 1,613,838 alleles (0.00025%); highest among the groups gnomAD compares: Non-Finnish European, 0.00034%; no homozygotes.

Submission:

Labcorp Genetics (formerly Invitae), Labcorp
Classification: Uncertain significance for Nephronophthisis 15. Last evaluated: 2023-12-06. Review status: criteria provided, single submitter. Criteria: Invitae Variant Classification Sherloc (09022015). Collection method: clinical testing. Allele origin: germline.
Comment: This sequence change replaces serine, which is neutral and polar, with cysteine, which is neutral and slightly polar, at codon 1080 of the CEP164 protein (p.Ser1080Cys). This variant is present in population databases (rs560342451, gnomAD 0.0009%). This variant has not been reported in the literature in individuals affected with CEP164-related conditions. ClinVar contains an entry for this variant (Variation ID: 2428133). Advanced modeling of protein sequence and biophysical properties (such as structural, functional, and spatial information, amino acid conservation, physicochemical variation, residue mobility, and thermodynamic stability) performed at Invitae indicates that this missense variant is not expected to disrupt CEP164 protein function with a negative predictive value of 80%. In summary, the available evidence is currently insufficient to determine the role of this variant in disease. Therefore, it has been classified as a Variant of Uncertain Significance.